The following is an entry in ClinVar:

NM_001104.4(ACTN3):c.1200C>A (p.Ile400=)

Gene: ACTN3 (actinin alpha 3; plus strand). Cytogenetic location: 11q13.2.
Variant type: single nucleotide variant.
Coding change: c.1200C>A on transcript NM_001104.4 (MANE Select); coding-DNA position 1200, C replaced by A.
Protein change: p.Ile400=; no amino-acid change (isoleucine 400 retained).
Molecular consequence: synonymous variant.
Genome position (GRCh38, 1-based): chr11:66,558,098, C>A. VCF-style: chr11-66558098-C-A. GRCh37 (hg19) VCF-style: chr11-66325569-C-A.
Other names: c.1329C>A, p.Ile443= (NM_001258371.3).
Identifiers: ClinVar variation 3057708 (VCV003057708.2), dbSNP rs747900211, ClinGen allele CA475493606.

ClinVar aggregate classification (germline): Likely benign (0 of 4 stars; one submission).

Conditions:
ACTN3-related disorder. Also called: ACTN3-related condition.

Allele frequency attached by ClinVar (database versions not stated): gnomAD 0.00002; TOPMed 0.00002; gnomAD exomes 0.00005.
gnomAD v4.1: 84 of 1,613,698 alleles (0.0052%); highest among the groups gnomAD compares: Non-Finnish European, 0.0064%; no homozygotes.

Submission:

PreventionGenetics, part of Exact Sciences
Classification: Likely benign for ACTN3-related condition. Last evaluated: 2019-03-14. Review status: no assertion criteria provided. Collection method: clinical testing. Allele origin: germline.
Comment: This variant is classified as likely benign based on ACMG/AMP sequence variant interpretation guidelines (Richards et al. 2015 PMID: 25741868, with internal and published modifications).